The following is an entry in ClinVar:

ClinVar aggregate classification (germline): Pathogenic. Review status: criteria provided, multiple submitters, no conflicts (2 of 4 stars). 5 submissions from 5 submitters: Pathogenic (4). 1 of the submissions does not count toward it. Last evaluated 2025-11-13.

Conditions:
KCNQ2-Related Disorders. Also called: KCNQ2-related disorder; KCNQ2-related condition. Identifiers: MedGen CN169299.
Seizures, benign familial neonatal, 1. Also called: KCNQ2-Related Self-Limited Familial Neonatal Epilepsy (SLFNE); Benign Neonatal Epilepsy 1; Seizures, benign neonatal, 1; KCNQ2-Related Benign Familial Neonatal Epilepsy. Identifiers: Orphanet 1949, MedGen C3149074, MONDO:0007365, OMIM 121200.
Developmental and epileptic encephalopathy, 7 (DEE7). Also called: KCNQ2-Related Neonatal-Onset Developmental and Epileptic Encephalopathy (NEO-DEE); Early infantile epileptic encephalopathy 7; KCNQ2-Related Neonatal Epileptic Encephalopathy. Identifiers: Orphanet 439218, MedGen C3150986, MONDO:0013387, OMIM 613720.
Seizure. Also called: Seizures. Identifiers: MedGen C0036572, HP:0001250.

Submissions (5):

3billion
Classification: Pathogenic for Developmental and epileptic encephalopathy, 7. Last evaluated: 2025-11-13. Review status: criteria provided, single submitter. Criteria: ACMG Guidelines, 2015. Collection method: clinical testing. Allele origin: germline. Affected: yes.
Comment: The variant is not observed in the gnomAD v4.1.0 dataset. Predicted Consequence/Location: The variant is located in a mutational hot spot and/or well-established functional domain in which established pathogenic variants have been reported. In silico tool predictions suggest damaging effect of the variant on gene or gene product [REVEL: 0.97 (>=0.6, sensitivity 0.68 and specificity 0.92); 3Cnet: 0.99 (> 0.75, sensitivity 0.96 and precision 0.92)]. The same nucleotide change resulting in the same amino acid change has been previously reported as pathogenic/likely pathogenic with strong evidence (ClinVar ID: VCV000431095). Different missense changes at the same codon (p.Gly301Cys, p.Gly301Ser, p.Gly301Val) have been reported as pathogenic/likely pathogenic with strong evidence (ClinVar ID: VCV000369770, VCV000430386, VCV004294524 /PMID: 26007637, 29655203 /3billion dataset). Therefore, this variant is classified as Pathogenic according to the recommendation of ACMG/AMP guideline.

PreventionGenetics, part of Exact Sciences
Classification: Pathogenic for KCNQ2-related condition. Last evaluated: 2023-08-30. Review status: criteria provided, single submitter. Criteria: ACMG Guidelines, 2015. Collection method: clinical testing. Allele origin: germline.
Comment: The KCNQ2 c.902G>A variant is predicted to result in the amino acid substitution p.Gly301Asp. This variant has been reported with de novo occurrence in at least two individuals with epileptic encephalopathy or an unspecified neurodevelopmental disorder (Lelieveld et al. 2016. PubMed ID: 27479843; Popp et al. 2017. PubMed ID: 29158550). This variant has not been reported in a large population database, indicating it is rare or absent in the general population. Different missense variants affecting the same amino acid (p.Gly301Ser and p.Gly301Val) have been reported (in some cases as de novo) in individuals with epilepsy and neurodevelopmental disorders (see for example, Abidi et al. 2015. PubMed ID: 26007637; Lindy et al. 2018. PubMed ID: 29655203). The c.902G>A (p.Gly301Asp) variant resides in the ion channel S6 motif adjacent to the selectivity filter, and this region is enriched for disease associated variants (HGMD; Lelieveld et al. 2017. PubMed ID: 28867141). This variant is interpreted as pathogenic.

Institute of Human Genetics, FAU Erlangen, Friedrich-Alexander-Universität Erlangen-Nürnberg
Classification: Pathogenic for Developmental and epileptic encephalopathy, 7. Last evaluated: 2017-08-01. Review status: criteria provided, single submitter. Criteria: ACMG Guidelines, 2015. Collection method: clinical testing. Allele origin: de novo. Inheritance: Sporadic. Affected: yes. Observed: 1 variant allele, 1 heterozygote.

Equipe Genetique des Anomalies du Developpement, Université de Bourgogne
Classification: Pathogenic for Seizure. Review status: criteria provided, single submitter. Criteria: ACMG Guidelines, 2015. Collection method: research. Allele origin: de novo. Affected: yes.

Center for Molecular Medicine, Children’s Hospital of Fudan University
Classification: Likely pathogenic for Developmental and epileptic encephalopathy, 7; Seizures, benign familial neonatal, 1. Last evaluated: 2020-07-07. Review status: no assertion criteria provided. Collection method: clinical testing. Allele origin: de novo. Affected: yes. Not counted in ClinVar's aggregate classification.

Literature cited by the submitters: PubMed 26007637 (cited by 3billion).

NM_172107.4(KCNQ2):c.902G>A (p.Gly301Asp)

Gene: KCNQ2 (potassium voltage-gated channel subfamily Q member 2; minus strand). Cytogenetic location: 20q13.33.
Variant type: single nucleotide variant.
Coding change: c.902G>A on transcript NM_172107.4 (MANE Select); coding-DNA position 902, G replaced by A.
Protein change: p.Gly301Asp; replaces glycine 301 with aspartic acid.
Molecular consequence: missense variant.
Genome position (GRCh38, 1-based): chr20:63,439,623, C>T on the plus strand (G>A on the coding strand, the complement: KCNQ2 is on the minus strand). VCF-style: chr20-63439623-C-T. GRCh37 (hg19) VCF-style: chr20-62070976-C-T.
Other names: c.902G>A, p.Gly301Asp (NM_004518.6, NM_172106.3, NM_172108.5 and 1 more transcripts); short protein forms G301D.
Identifiers: ClinVar variation 431095 (VCV000431095.8), dbSNP rs1131691936, ClinGen allele CA409652525.
Genomic context (GRCh38, chr20:63,439,623, plus strand): 5'-CCCCCTCCAAGGCAGGCAGGGGCAGCTGGACTTACTGCAGGCAGCGCGAAGAAGGAGACA[C>T]CGATGAGGGTGAAGGTTGCCGCAAGGAGCCTGCCGTTCCAGGTCTGGGGGTACTTGTCCC-3'
Protein context (NP_742105.1, residues 291-311): RLLAATFTLI[Gly301Asp]VSFFALPAGI